The following is an entry in ClinVar:

NM_201384.3(PLEC):c.9323C>T (p.Pro3108Leu)

Gene: PLEC (plectin; minus strand). Cytogenetic location: 8q24.3.
Variant type: single nucleotide variant.
Coding change: c.9323C>T on transcript NM_201384.3 (MANE Select); coding-DNA position 9323, C replaced by T.
Protein change: p.Pro3108Leu; replaces proline 3108 with leucine.
Molecular consequence: missense variant.
Genome position (GRCh38, 1-based): chr8:143,920,498, G>A on the plus strand (C>T on the coding strand, the complement: PLEC is on the minus strand). VCF-style: chr8-143920498-G-A. GRCh37 (hg19) VCF-style: chr8-144994666-G-A.
Other names: c.9734C>T, p.Pro3245Leu (NM_201380.4); c.9227C>T, p.Pro3076Leu (NM_201381.3); c.9323C>T, p.Pro3108Leu (NM_201382.4); c.9335C>T, p.Pro3112Leu (NM_201383.3); c.9404C>T, p.Pro3135Leu (NM_000445.5); c.6023C>T, p.Pro2008Leu (NM_001410941.1); c.9281C>T, p.Pro3094Leu (NM_201378.4); c.9257C>T, p.Pro3086Leu (NM_201379.3); short protein forms P3108L, P3135L, P3086L, P3112L, P3076L, P3094L, P2008L, P3245L.
Identifiers: ClinVar variation 2945926 (VCV002945926.3), dbSNP rs1554682011, ClinGen allele CA372510621.

ClinVar aggregate classification (germline): Uncertain significance (1 of 4 stars; one submission).

Conditions:
Epidermolysis bullosa simplex with nail dystrophy (EBS5D). Identifiers: MedGen C4225309, MONDO:0014661, OMIM 616487.
Epidermolysis bullosa simplex, Ogna type (EBS5A). Also called: Pidermolysis bullosa simplex 5A, Ogna type; EPIDERMOLYSIS BULLOSA SIMPLEX 5A, OGNA TYPE. Identifiers: Orphanet 79401, MedGen C0432317, MONDO:0007555, OMIM 131950.
Autosomal recessive limb-girdle muscular dystrophy type 2Q (LGMDR17). Also called: MUSCULAR DYSTROPHY, LIMB-GIRDLE, AUTOSOMAL RECESSIVE 17. Identifiers: Orphanet 254361, MedGen C3150989, MONDO:0013390, OMIM 613723.
Epidermolysis bullosa simplex 5B, with muscular dystrophy (EBS5B). Also called: EPIDERMOLYSIS BULLOSA SIMPLEX AND LIMB-GIRDLE MUSCULAR DYSTROPHY; Epidermolysis bullosa simplex with muscular dystrophy. Identifiers: Orphanet 257, MedGen C2931072, MONDO:0009181, OMIM 226670.
Epidermolysis bullosa simplex 5C, with pyloric atresia (EBS5C). Also called: PLEC-Related Epidermolysis Bullosa with Pyloric Atresia; Epidermolysis bullosa simplex with pyloric atresia; PLEC1-Related Epidermolysis Bullosa with Pyloric Atresia. Identifiers: Orphanet 158684, MedGen C2677349, MONDO:0012807, OMIM 612138.

Submission:

Labcorp Genetics (formerly Invitae), Labcorp
Classification: Uncertain significance for Autosomal recessive limb-girdle muscular dystrophy type 2Q; Epidermolysis bullosa simplex, Ogna type; Epidermolysis bullosa simplex with nail dystrophy; Epidermolysis bullosa simplex 5C, with pyloric atresia; Epidermolysis bullosa simplex 5B, with muscular dystrophy. Last evaluated: 2023-03-29. Review status: criteria provided, single submitter. Criteria: Invitae Variant Classification Sherloc (09022015). Collection method: clinical testing. Allele origin: germline.
Comment: This sequence change replaces proline, which is neutral and non-polar, with leucine, which is neutral and non-polar, at codon 3135 of the PLEC protein (p.Pro3135Leu). This variant is not present in population databases (gnomAD no frequency). This variant has not been reported in the literature in individuals affected with PLEC-related conditions. An algorithm developed to predict the effect of missense changes on protein structure and function (PolyPhen-2) suggests that this variant is likely to be disruptive. In summary, the available evidence is currently insufficient to determine the role of this variant in disease. Therefore, it has been classified as a Variant of Uncertain Significance.